The following is an entry in ClinVar:

NM_206933.4(USH2A):c.4320T>A (p.Tyr1440Ter)

Gene: USH2A (usherin; minus strand). Cytogenetic location: 1q41.
Variant type: single nucleotide variant.
Coding change: c.4320T>A on transcript NM_206933.4 (MANE Select); coding-DNA position 4320, T replaced by A.
Protein change: p.Tyr1440Ter; replaces tyrosine 1440 with a stop codon.
Molecular consequence: nonsense.
Genome position (GRCh38, 1-based): chr1:216,190,299, A>T on the plus strand (T>A on the coding strand, the complement: USH2A is on the minus strand). VCF-style: chr1-216190299-A-T. GRCh37 (hg19) VCF-style: chr1-216363641-A-T.
Other names: c.4320T>A, p.Tyr1440Ter (NM_007123.6); short protein forms Y1440*.
Identifiers: ClinVar variation 2809953 (VCV002809953.3), dbSNP rs2528020305, ClinGen allele CA344865345.

ClinVar aggregate classification (germline): Pathogenic (1 of 4 stars; one submission).

Submission:

Labcorp Genetics (formerly Invitae), Labcorp
Classification: Pathogenic. Last evaluated: 2022-10-27. Review status: criteria provided, single submitter. Criteria: Invitae Variant Classification Sherloc (09022015). Collection method: clinical testing. Allele origin: germline.
Comment: For these reasons, this variant has been classified as Pathogenic. Algorithms developed to predict the effect of sequence changes on RNA splicing suggest that this variant may disrupt the consensus splice site. This variant has not been reported in the literature in individuals affected with USH2A-related conditions. This variant is not present in population databases (gnomAD no frequency). This sequence change creates a premature translational stop signal (p.Tyr1440*) in the USH2A gene. It is expected to result in an absent or disrupted protein product. Loss-of-function variants in USH2A are known to be pathogenic (PMID: 10729113, 10909849, 20507924, 25649381).

Literature cited by the submitters: PubMed 10729113; PubMed 10909849; PubMed 20507924; PubMed 25649381.